The following is an entry in ClinVar:

ClinVar aggregate classification (germline): Uncertain significance (1 of 4 stars; one submission).

Submission:

GeneDx
Classification: Uncertain significance. Last evaluated: 2022-08-29. Review status: criteria provided, single submitter. Criteria: GeneDx Variant Classification Process June 2021. Collection method: clinical testing. Allele origin: germline. Affected: yes.
Comment: Not observed at significant frequency in large population cohorts (gnomAD); Nonsense variant predicted to result in protein truncation or nonsense mediated decay in a gene for which loss-of-function is not a known mechanism of disease; Has not been previously published as pathogenic or benign to our knowledge.

NM_001394062.1(MACF1):c.16003C>T (p.Gln5335Ter)

Gene: MACF1 (microtubule actin crosslinking factor 1; plus strand). Cytogenetic location: 1p34.3.
Variant type: single nucleotide variant.
Coding change: c.16003C>T on transcript NM_001394062.1 (MANE Select); coding-DNA position 16003, C replaced by T.
Protein change: p.Gln5335Ter; replaces glutamine 5335 with a stop codon.
Molecular consequence: nonsense.
Genome position (GRCh38, 1-based): chr1:39,422,754, C>T. VCF-style: chr1-39422754-C-T. GRCh37 (hg19) VCF-style: chr1-39888426-C-T.
Other names: c.4399C>T, p.Gln1467Ter (NM_001397473.1); c.9817C>T, p.Gln3273Ter (NM_012090.5); short protein forms Q1467*, Q3273*, Q5335*.
Identifiers: ClinVar variation 1704148 (VCV001704148.2), dbSNP rs2522989889, ClinGen allele CA339791920.